The following is an entry in ClinVar:

ClinVar aggregate classification (germline): Likely benign. Review status: criteria provided, multiple submitters, no conflicts (2 of 4 stars). 4 submissions from 4 submitters: Likely benign (3). 1 of the submissions does not count toward it. Last evaluated 2026-04-01.

Conditions:
TMX2-related disorder. Also called: TMX2-related condition.
Inborn genetic diseases. Identifiers: MedGen C0950123, MeSH D030342.

Allele frequency attached by ClinVar (database versions not stated): 1000 Genomes Project 30x 0.00172; 1000 Genomes Project 0.00200; TOPMed 0.00253; ExAC 0.00286; gnomAD 0.00297; ESP Exome Variant Server 0.00300.
gnomAD v4.1: 6,775 of 1,614,112 alleles (0.42%); highest among the groups gnomAD compares: Non-Finnish European, 0.49%; 23 homozygotes.

Submissions (4):

CeGaT Center for Human Genetics Tuebingen
Classification: Likely benign. Last evaluated: 2026-04-01. Review status: criteria provided, single submitter. Criteria: CeGaT Center For Human Genetics Tuebingen Variant Classification Criteria Version 2. Collection method: clinical testing. Allele origin: germline. Affected: yes. Observed: 6 variant alleles.
Comment: TMX2: BP4, BS2

Ambry Genetics
Classification: Likely benign for Inborn genetic diseases. Last evaluated: 2025-06-16. Review status: criteria provided, single submitter. Criteria: Ambry Variant Classification Scheme 2023. Collection method: clinical testing. Allele origin: germline.

Blueprint Genetics
Classification: Likely benign. Last evaluated: 2024-11-25. Review status: criteria provided, single submitter. Criteria: ACMG Guidelines, 2015. Collection method: clinical testing. Allele origin: germline.

PreventionGenetics, part of Exact Sciences
Classification: Likely benign for TMX2-related condition. Last evaluated: 2024-02-13. Review status: no assertion criteria provided. Collection method: clinical testing. Allele origin: germline. Not counted in ClinVar's aggregate classification.
Comment: This variant is classified as likely benign based on ACMG/AMP sequence variant interpretation guidelines (Richards et al. 2015 PMID: 25741868, with internal and published modifications).

NM_015959.4(TMX2):c.142G>C (p.Gly48Arg)

Genes: TMX2 (thioredoxin related transmembrane protein 2; plus strand), TMX2-CTNND1 (TMX2-CTNND1 readthrough (NMD candidate); plus strand). Cytogenetic location: 11q12.1.
Variant type: single nucleotide variant.
Coding change: c.142G>C on transcript NM_015959.4 (MANE Select); coding-DNA position 142, G replaced by C.
Protein change: p.Gly48Arg; replaces glycine 48 with arginine.
Molecular consequence: missense variant. On other transcripts: non-coding transcript variant (5), 5 prime UTR variant (5).
Genome position (GRCh38, 1-based): chr11:57,712,760, G>C. VCF-style: chr11-57712760-G-C. GRCh37 (hg19) VCF-style: chr11-57480232-G-C.
Other names: c.142G>C, p.Gly48Arg (NM_001144012.3, NM_001347890.2, NM_001347891.2 and 1 more transcripts); c.-43G>C (NM_001347892.2); c.-218G>C (NM_001347893.2, NM_001347894.2); c.-268G>C (NM_001347895.2); c.-195G>C (NM_001347896.2); c.142G>C (NM_001347890.1, NM_015959.3); short protein forms G48R.
Identifiers: ClinVar variation 2641793 (VCV002641793.27), dbSNP rs111605325, ClinGen allele CA6009480.